The following is an entry in ClinVar:

ClinVar aggregate classification (germline): Likely benign. Review status: criteria provided, multiple submitters, no conflicts (2 of 4 stars). 2 submissions from 2 submitters: Likely benign (2). Last evaluated 2023-04-07.

Conditions:
LAMA2-related muscular dystrophy (LAMA2-RD). Also called: Laminin alpha 2-related dystrophy. Identifiers: MedGen C5679788, MONDO:0100228.

Submissions (2):

Labcorp Genetics (formerly Invitae), Labcorp
Classification: Likely benign for LAMA2-related muscular dystrophy. Last evaluated: 2023-04-07. Review status: criteria provided, single submitter. Criteria: Invitae Variant Classification Sherloc (09022015). Collection method: clinical testing. Allele origin: germline.

GeneDx
Classification: Likely benign. Last evaluated: 2017-09-08. Review status: criteria provided, single submitter. Criteria: GeneDx Variant Classification (06012015). Collection method: clinical testing. Allele origin: germline. Affected: yes.
Comment: This variant is considered likely benign or benign based on one or more of the following criteria: it is a conservative change, it occurs at a poorly conserved position in the protein, it is predicted to be benign by multiple in silico algorithms, and/or has population frequency not consistent with disease.

NM_000426.4(LAMA2):c.5234+19A>G

Gene: LAMA2 (laminin subunit alpha 2; plus strand). Cytogenetic location: 6q22.33.
Variant type: single nucleotide variant.
Coding change: c.5234+19A>G on transcript NM_000426.4 (MANE Select); 19 bases into the intron after coding-DNA position 5234, A replaced by G.
Molecular consequence: intron variant.
Genome position (GRCh38, 1-based): chr6:129,391,672, A>G. VCF-style: chr6-129391672-A-G. GRCh37 (hg19) VCF-style: chr6-129712817-A-G.
Other names: c.5234+19A>G (NM_001079823.2).
Identifiers: ClinVar variation 511956 (VCV000511956.4), dbSNP rs1554287019, ClinGen allele CA658796824.